The following is an entry in ClinVar:

ClinVar aggregate classification (germline): Uncertain significance (1 of 4 stars; one submission).

Submission:

GeneDx
Classification: Uncertain significance. Last evaluated: 2022-01-10. Review status: criteria provided, single submitter. Criteria: GeneDx Variant Classification Process June 2021. Collection method: clinical testing. Allele origin: germline. Affected: yes.
Comment: Has not been previously published as pathogenic or benign to our knowledge; Not observed at significant frequency in large population cohorts (gnomAD); In silico analysis supports that this missense variant does not alter protein structure/function

NM_001458.5(FLNC):c.2156T>C (p.Ile719Thr)

Gene: FLNC (filamin C; plus strand). Cytogenetic location: 7q32.1.
Variant type: single nucleotide variant.
Coding change: c.2156T>C on transcript NM_001458.5 (MANE Select); coding-DNA position 2156, T replaced by C.
Protein change: p.Ile719Thr; replaces isoleucine 719 with threonine.
Molecular consequence: missense variant.
Genome position (GRCh38, 1-based): chr7:128,842,265, T>C. VCF-style: chr7-128842265-T-C. GRCh37 (hg19) VCF-style: chr7-128482319-T-C.
Other names: c.2156T>C, p.Ile719Thr (NM_001127487.2); short protein forms I719T.
Identifiers: ClinVar variation 1695855 (VCV001695855.2), dbSNP rs2128935535, ClinGen allele CA369228796.